The following is an entry in ClinVar:

NM_000245.4(MET):c.2731T>C (p.Trp911Arg)

Gene: MET (MET proto-oncogene, receptor tyrosine kinase; plus strand). Cytogenetic location: 7q31.2.
Variant type: single nucleotide variant.
Coding change: c.2731T>C on transcript NM_000245.4 (MANE Select); coding-DNA position 2731, T replaced by C.
Protein change: p.Trp911Arg; replaces tryptophan 911 with arginine.
Molecular consequence: missense variant.
Genome position (GRCh38, 1-based): chr7:116,771,498, T>C. VCF-style: chr7-116771498-T-C. GRCh37 (hg19) VCF-style: chr7-116411552-T-C.
Other names: c.2785T>C, p.Trp929Arg (NM_001127500.3); c.1441T>C, p.Trp481Arg (NM_001324402.2); short protein forms W481R, W911R, W929R.
Identifiers: ClinVar variation 3395142 (VCV003395142.2).

ClinVar aggregate classification (germline): Uncertain significance. Review status: criteria provided, multiple submitters, no conflicts (2 of 4 stars). 2 submissions from 2 submitters: Uncertain significance (2). Last evaluated 2025-11-22.

Conditions:
Renal cell carcinoma. Identifiers: Orphanet 217071, MedGen C0007134, MeSH D002292, MONDO:0005086, HP:0005584.
Hereditary cancer-predisposing syndrome. Also called: Hereditary Cancer Syndrome; Tumor predisposition; Hereditary neoplastic syndrome; Neoplastic Syndromes, Hereditary. Identifiers: Orphanet 140162, MedGen C0027672, MeSH D009386, MONDO:0015356.

Submissions (2):

Labcorp Genetics (formerly Invitae), Labcorp
Classification: Uncertain significance for Renal cell carcinoma. Last evaluated: 2025-11-22. Review status: criteria provided, single submitter. Criteria: Invitae Variant Classification Sherloc (09022015). Collection method: clinical testing. Allele origin: germline.
Comment: This sequence change replaces tryptophan, which is neutral and slightly polar, with arginine, which is basic and polar, at codon 929 of the MET protein (p.Trp929Arg). This variant is not present in population databases (gnomAD no frequency). This variant has not been reported in the literature in individuals affected with MET-related conditions. ClinVar contains an entry for this variant (Variation ID: 3395142). An algorithm developed to predict the effect of missense changes on protein structure and function (PolyPhen-2) suggests that this variant is likely to be disruptive. In summary, the available evidence is currently insufficient to determine the role of this variant in disease. Therefore, it has been classified as a Variant of Uncertain Significance.

Ambry Genetics
Classification: Uncertain significance for Hereditary cancer-predisposing syndrome. Last evaluated: 2024-08-27. Review status: criteria provided, single submitter. Criteria: Ambry Variant Classification Scheme 2023. Collection method: clinical testing. Allele origin: germline.
Comment: The p.W929R variant (also known as c.2785T>C) is located in coding exon 12 of the MET gene. The tryptophan at codon 929 is replaced by arginine, an amino acid with dissimilar properties. This change occurs in the first base pair of coding exon 12. This amino acid position is conserved. In addition, this alteration is predicted to be deleterious by in silico analysis. Based on the available evidence, the clinical significance of this variant remains unclear.